The following is an entry in ClinVar:

ClinVar aggregate classification (germline): Uncertain significance (1 of 4 stars; one submission).

Submission:

Labcorp Genetics (formerly Invitae), Labcorp
Classification: Uncertain significance. Last evaluated: 2022-01-14. Review status: criteria provided, single submitter. Criteria: Invitae Variant Classification Sherloc (09022015). Collection method: clinical testing. Allele origin: germline.
Comment: This sequence change replaces methionine, which is neutral and non-polar, with threonine, which is neutral and polar, at codon 1824 of the LRP2 protein (p.Met1824Thr). This variant is not present in population databases (gnomAD no frequency). This variant has not been reported in the literature in individuals affected with LRP2-related conditions. Advanced modeling of protein sequence and biophysical properties (such as structural, functional, and spatial information, amino acid conservation, physicochemical variation, residue mobility, and thermodynamic stability) performed at Invitae indicates that this missense variant is not expected to disrupt LRP2 protein function. In summary, the available evidence is currently insufficient to determine the role of this variant in disease. Therefore, it has been classified as a Variant of Uncertain Significance.

NM_004525.3(LRP2):c.5471T>C (p.Met1824Thr)

Gene: LRP2 (LDL receptor related protein 2; minus strand). Cytogenetic location: 2q31.1.
Variant type: single nucleotide variant.
Coding change: c.5471T>C on transcript NM_004525.3 (MANE Select); coding-DNA position 5471, T replaced by C.
Protein change: p.Met1824Thr; replaces methionine 1824 with threonine.
Molecular consequence: missense variant.
Genome position (GRCh38, 1-based): chr2:169,225,377, A>G on the plus strand (T>C on the coding strand, the complement: LRP2 is on the minus strand). VCF-style: chr2-169225377-A-G. GRCh37 (hg19) VCF-style: chr2-170081887-A-G.
Other names: short protein forms M1824T.
Identifiers: ClinVar variation 2084977 (VCV002084977.1), dbSNP rs2545850120, ClinGen allele CA349139164.